The following is an entry in ClinVar:

NM_000719.7(CACNA1C):c.5139C>G (p.Asp1713Glu)

Genes: CACNA1C (calcium voltage-gated channel subunit alpha1 C; plus strand), CACNA1C-AS1 (CACNA1C antisense RNA 1; minus strand). Cytogenetic location: 12p13.33.
Variant type: single nucleotide variant.
Coding change: c.5139C>G on transcript NM_000719.7 (MANE Select); coding-DNA position 5139, C replaced by G.
Protein change: p.Asp1713Glu; replaces aspartic acid 1713 with glutamic acid.
Molecular consequence: missense variant.
Genome position (GRCh38, 1-based): chr12:2,679,491, C>G. VCF-style: chr12-2679491-C-G. GRCh37 (hg19) VCF-style: chr12-2788657-C-G.
Other names: c.5283C>G, p.Asp1761Glu (NM_001129827.2, NM_199460.4); c.5262C>G, p.Asp1754Glu (NM_001129829.2); c.5139C>G, p.Asp1713Glu (NM_001129830.3, NM_001129840.2, NM_001129841.2 and 4 more transcripts); c.5223C>G, p.Asp1741Glu (NM_001129831.2); c.5199C>G, p.Asp1733Glu (NM_001129832.2); c.5196C>G, p.Asp1732Glu (NM_001129833.2, NM_001129834.2, NM_001129835.2); c.5190C>G, p.Asp1730Glu (NM_001129836.2); c.5163C>G, p.Asp1721Glu (NM_001129837.2, NM_001129838.2); and 3 more; short protein forms D1754E, D1702E, D1710E, D1719E, D1730E, D1733E, D1741E, D1713E.
Identifiers: ClinVar variation 4750886 (VCV004750886.1).

ClinVar aggregate classification (germline): Uncertain significance (1 of 4 stars; one submission).

Conditions:
Long QT syndrome (LQTS). Identifiers: MedGen C0023976, MeSH D008133, MONDO:0002442. Disease mechanism: loss of function. Inheritance: Various modes of inheritance.

Submission:

Labcorp Genetics (formerly Invitae), Labcorp
Classification: Uncertain significance for Long QT syndrome. Last evaluated: 2025-08-22. Review status: criteria provided, single submitter. Criteria: Invitae Variant Classification Sherloc (09022015). Collection method: clinical testing. Allele origin: germline.
Comment: This sequence change replaces aspartic acid, which is acidic and polar, with glutamic acid, which is acidic and polar, at codon 1713 of the CACNA1C protein (p.Asp1713Glu). This variant is not present in population databases (gnomAD no frequency). This variant has not been reported in the literature in individuals affected with CACNA1C-related conditions. Invitae Evidence Modeling of protein sequence and biophysical properties (such as structural, functional, and spatial information, amino acid conservation, physicochemical variation, residue mobility, and thermodynamic stability) indicates that this missense variant is not expected to disrupt CACNA1C protein function with a negative predictive value of 95%. In summary, the available evidence is currently insufficient to determine the role of this variant in disease. Therefore, it has been classified as a Variant of Uncertain Significance.